The following is an entry in ClinVar:

NM_012062.5(DNM1L):c.1582G>C (p.Val528Leu)

Gene: DNM1L (dynamin 1 like; plus strand). Cytogenetic location: 12p11.21.
Variant type: single nucleotide variant.
Coding change: c.1582G>C on transcript NM_012062.5 (MANE Select); coding-DNA position 1582, G replaced by C.
Protein change: p.Val528Leu; replaces valine 528 with leucine.
Molecular consequence: missense variant.
Genome position (GRCh38, 1-based): chr12:32,737,147, G>C. VCF-style: chr12-32737147-G-C. GRCh37 (hg19) VCF-style: chr12-32890081-G-C.
Other names: c.973G>C, p.Val325Leu (NM_001278466.2); c.1621G>C, p.Val541Leu (NM_001330380.2, NM_001278464.2, NM_001278465.2); c.1582G>C, p.Val528Leu (NM_012063.4, NM_005690.5, NM_001278463.2); short protein forms V325L, V541L, V528L.
Identifiers: ClinVar variation 4760229 (VCV004760229.1).

ClinVar aggregate classification (germline): Uncertain significance (1 of 4 stars; one submission).

gnomAD v4.1: 3 of 1,613,750 alleles (0.00019%); highest among the groups gnomAD compares: East Asian, 0.0045%; no homozygotes.

Submission:

Labcorp Genetics (formerly Invitae), Labcorp
Classification: Uncertain significance. Last evaluated: 2025-02-10. Review status: criteria provided, single submitter. Criteria: Invitae Variant Classification Sherloc (09022015). Collection method: clinical testing. Allele origin: germline.
Comment: This sequence change replaces valine, which is neutral and non-polar, with leucine, which is neutral and non-polar, at codon 528 of the DNM1L protein (p.Val528Leu). This variant is present in population databases (rs778877877, gnomAD 0.02%). This variant has not been reported in the literature in individuals affected with DNM1L-related conditions. An algorithm developed to predict the effect of missense changes on protein structure and function (PolyPhen-2) suggests that this variant is likely to be tolerated. In summary, the available evidence is currently insufficient to determine the role of this variant in disease. Therefore, it has been classified as a Variant of Uncertain Significance.